The following is an entry in ClinVar:

ClinVar aggregate classification (germline): Uncertain significance. Review status: criteria provided, multiple submitters, no conflicts (2 of 4 stars). 2 submissions from 2 submitters: Uncertain significance (2). Last evaluated 2025-07-30.

Conditions:
Arrhythmogenic right ventricular cardiomyopathy (ARVD). Also called: Arrhythmogenic right ventricular dysplasia; Cardiomyopathy, ARVC; Arrhythmogenic cardiomyopathy; Arrhythmogenic Right Ventricular Cardiomyopathy (ARVC). Identifiers: Orphanet 247, MedGen C0349788, MeSH D019571, MONDO:0016587. Disease mechanism: loss of function. Inheritance: Various modes of inheritance.
Cardiovascular phenotype. Identifiers: MedGen CN230736.

Allele frequency attached by ClinVar (database versions not stated): gnomAD exomes below 0.00001.
gnomAD v4.1: 1 of 1,614,192 alleles (0.000062%); highest among the groups gnomAD compares: Admixed American, 0.0017%; no homozygotes.

Submissions (2):

Ambry Genetics
Classification: Uncertain significance for Cardiovascular phenotype. Last evaluated: 2025-07-30. Review status: criteria provided, single submitter. Criteria: Ambry Variant Classification Scheme 2023. Collection method: clinical testing. Allele origin: germline.
Comment: The p.A298S variant (also known as c.892G>T), located in coding exon 8 of the DSG2 gene, results from a G to T substitution at nucleotide position 892. The alanine at codon 298 is replaced by serine, an amino acid with similar properties. This amino acid position is conserved. In addition, this alteration is predicted to be tolerated by in silico analysis. Based on the available evidence, the clinical significance of this variant remains unclear.

All of Us Research Program, National Institutes of Health
Classification: Uncertain significance for Arrhythmogenic right ventricular cardiomyopathy. Last evaluated: 2023-08-28. Review status: criteria provided, single submitter. Criteria: ACMG Guidelines, 2015. Collection method: clinical testing. Allele origin: germline. Inheritance: Autosomal dominant inheritance. Observed: 1 variant allele, 1 heterozygote.
Comment: This missense variant replaces alanine with serine at codon 298 of the DSG2 protein. Computational prediction suggests that this variant may not impact protein structure and function (internally defined REVEL score threshold <= 0.5, PMID: 27666373). To our knowledge, functional studies have not been reported for this variant. This variant has not been reported in individuals affected with DSG2-related disorders in the literature. This variant has been identified in 1/249400 chromosomes in the general population by the Genome Aggregation Database (gnomAD). The available evidence is insufficient to determine the role of this variant in disease conclusively. Therefore, this variant is classified as a Variant of Uncertain Significance.

This study involves interpretation of variants in research participants for the purpose of population health screening. Participant phenotype was not available at the time of variant classification. Additional details can be found in publication PMID: 35346344, PMCID: PMC8962531

NM_001943.5(DSG2):c.892G>T (p.Ala298Ser)

Gene: DSG2 (desmoglein 2; plus strand). Cytogenetic location: 18q12.1.
Variant type: single nucleotide variant.
Coding change: c.892G>T on transcript NM_001943.5 (MANE Select); coding-DNA position 892, G replaced by T.
Protein change: p.Ala298Ser; replaces alanine 298 with serine.
Molecular consequence: missense variant.
Genome position (GRCh38, 1-based): chr18:31,524,766, G>T. VCF-style: chr18-31524766-G-T. GRCh37 (hg19) VCF-style: chr18-29104729-G-T.
Other names: short protein forms A298S.
Identifiers: ClinVar variation 3073238 (VCV003073238.2), dbSNP rs925004196, ClinGen allele CA402135590.